The following is an entry in ClinVar:

ClinVar aggregate classification (germline): Likely pathogenic (1 of 4 stars; one submission).

Conditions:
Bardet-Biedl syndrome (BBS). Identifiers: Orphanet 110, MedGen C0752166, MONDO:0015229.

Submission:

Labcorp Genetics (formerly Invitae), Labcorp
Classification: Likely pathogenic for Bardet-Biedl syndrome. Last evaluated: 2023-06-20. Review status: criteria provided, single submitter. Criteria: Invitae Variant Classification Sherloc (09022015). Collection method: clinical testing. Allele origin: germline.
Comment: This sequence change affects an acceptor splice site in intron 3 of the BBS7 gene. It is expected to disrupt RNA splicing. Variants that disrupt the donor or acceptor splice site typically lead to a loss of protein function (PMID: 16199547), and loss-of-function variants in BBS7 are known to be pathogenic (PMID: 12567324, 19402160, 21209035, 31196119). In summary, the currently available evidence indicates that the variant is pathogenic, but additional data are needed to prove that conclusively. Therefore, this variant has been classified as Likely Pathogenic. Algorithms developed to predict the effect of sequence changes on RNA splicing suggest that this variant may disrupt the consensus splice site. This variant has not been reported in the literature in individuals affected with BBS7-related conditions. This variant is not present in population databases (gnomAD no frequency).

Literature cited by the submitters: PubMed 16199547; PubMed 12567324; PubMed 19402160; PubMed 21209035; PubMed 31196119.

NM_176824.3(BBS7):c.166-2A>G

Gene: BBS7 (Bardet-Biedl syndrome 7; minus strand). Cytogenetic location: 4q27.
Variant type: single nucleotide variant.
Coding change: c.166-2A>G on transcript NM_176824.3 (MANE Select); the canonical splice acceptor site of the intron before coding-DNA position 166, A replaced by G.
Molecular consequence: splice acceptor variant.
Genome position (GRCh38, 1-based): chr4:121,861,681, T>C on the plus strand (A>G on the coding strand, the complement: BBS7 is on the minus strand). VCF-style: chr4-121861681-T-C. GRCh37 (hg19) VCF-style: chr4-122782836-T-C.
Other names: c.166-2A>G (NM_018190.4).
Identifiers: ClinVar variation 2712733 (VCV002712733.3), dbSNP rs2476567319, ClinGen allele CA358044967.
Genomic context (GRCh38, chr4:121,861,681, plus strand): 5'-ATAACCCCTCCCAGTTCCAGCCTTGCAATCTTCGGCCCGGGTAAAGTCTTGAACACTGCC[T>C]GAAAAAAATCATTCAGGAAAAAAGTACACAAATTACTTTATTGTGAGCATTTTTTCCTTT-3'